The following is an entry in ClinVar:

NM_004415.4(DSP):c.3651G>A (p.Thr1217=)

Gene: DSP (desmoplakin; plus strand). Cytogenetic location: 6p24.3.
Variant type: single nucleotide variant.
Coding change: c.3651G>A on transcript NM_004415.4 (MANE Select); coding-DNA position 3651, G replaced by A.
Protein change: p.Thr1217=; no amino-acid change (threonine 1217 retained).
Molecular consequence: synonymous variant. On other transcripts: intron variant (1).
Genome position (GRCh38, 1-based): chr6:7,579,841, G>A. VCF-style: chr6-7579841-G-A. GRCh37 (hg19) VCF-style: chr6-7580074-G-A.
Other names: c.3651G>A, p.Thr1217= (NM_001319034.2); c.3582+69G>A (NM_001008844.3); c.3651G>A (LRG_423t1).
Identifiers: ClinVar variation 385327 (VCV000385327.14), dbSNP rs1057522191, ClinGen allele CA16605079.

ClinVar aggregate classification (germline): Likely benign. Review status: criteria provided, multiple submitters, no conflicts (2 of 4 stars). 5 submissions from 5 submitters: Likely benign (5). Last evaluated 2025-12-13.

Conditions:
Arrhythmogenic cardiomyopathy with wooly hair and keratoderma. Also called: Carvajal syndrome; Dilated cardiomyopathy with woolly hair and keratoderma; Arrhythmogenic cardiomyopathy with woolly hair and keratoderma; PALMOPLANTAR KERATODERMA WITH LEFT VENTRICULAR CARDIOMYOPATHY AND WOOLLY HAIR. Identifiers: Orphanet 65282, MedGen C1854063, MONDO:0011581, OMIM 605676.
Arrhythmogenic right ventricular dysplasia 8 (ARVD8). Also called: ARRHYTHMOGENIC RIGHT VENTRICULAR DYSPLASIA, FAMILIAL, 8; ARRHYTHMOGENIC RIGHT VENTRICULAR CARDIOMYOPATHY 8; Arrhythmogenic Right Ventricular Dysplasia/Cardiomyopathy 8. Identifiers: MedGen C1843896, MONDO:0011831, OMIM 607450.
Cardiovascular phenotype. Identifiers: MedGen CN230736.
Cardiomyopathy (CMYO). Also called: Cardiomyopathies. Identifiers: Orphanet 167848, MedGen C0878544, MONDO:0004994, HP:0001638. Inheritance: Various modes of inheritance.

Allele frequency attached by ClinVar (database versions not stated): gnomAD exomes 0.00001; gnomAD 0.00003.
gnomAD v4.1: 9 of 1,614,026 alleles (0.00056%); highest among the groups gnomAD compares: Admixed American, 0.0017%; no homozygotes.

Submissions (5):

Labcorp Genetics (formerly Invitae), Labcorp
Classification: Likely benign for Arrhythmogenic cardiomyopathy with wooly hair and keratoderma; Arrhythmogenic right ventricular dysplasia 8. Last evaluated: 2025-12-13. Review status: criteria provided, single submitter. Criteria: Invitae Variant Classification Sherloc (09022015). Collection method: clinical testing. Allele origin: germline.

Ambry Genetics
Classification: Likely benign for Cardiovascular phenotype. Last evaluated: 2023-11-01. Review status: criteria provided, single submitter. Criteria: Ambry Variant Classification Scheme 2023. Collection method: clinical testing. Allele origin: germline.

All of Us Research Program, National Institutes of Health
Classification: Likely benign for Arrhythmogenic cardiomyopathy with wooly hair and keratoderma. Last evaluated: 2023-07-10. Review status: criteria provided, single submitter. Criteria: ACMG Guidelines, 2015. Collection method: clinical testing. Allele origin: germline. Inheritance: Autosomal dominant inheritance. Observed: 1 variant allele, 1 heterozygote.
Comment: This study involves interpretation of variants in research participants for the purpose of population health screening. Participant phenotype was not available at the time of variant classification. Additional details can be found in publication PMID: 35346344, PMCID: PMC8962531

Color Diagnostics, LLC DBA Color Health
Classification: Likely benign for Cardiomyopathy. Last evaluated: 2019-10-08. Review status: criteria provided, single submitter. Criteria: ACMG Guidelines, 2015. Collection method: clinical testing. Allele origin: germline.

GeneDx
Classification: Likely benign. Last evaluated: 2016-04-06. Review status: criteria provided, single submitter. Criteria: GeneDx Variant Classification (06012015). Collection method: clinical testing. Allele origin: germline. Affected: yes.
Comment: This variant is considered likely benign or benign based on one or more of the following criteria: it is a conservative change, it occurs at a poorly conserved position in the protein, it is predicted to be benign by multiple in silico algorithms, and/or has population frequency not consistent with disease.